The following is an entry in ClinVar:

NM_000059.4(BRCA2):c.3279C>T (p.Ser1093=)

Gene: BRCA2 (BRCA2 DNA repair associated; plus strand). Cytogenetic location: 13q13.1.
Variant type: single nucleotide variant.
Coding change: c.3279C>T on transcript NM_000059.4 (MANE Select); coding-DNA position 3279, C replaced by T.
Protein change: p.Ser1093=; no amino-acid change (serine 1093 retained).
Molecular consequence: synonymous variant.
Genome position (GRCh38, 1-based): chr13:32,337,634, C>T. VCF-style: chr13-32337634-C-T. GRCh37 (hg19) VCF-style: chr13-32911771-C-T.
Identifiers: ClinVar variation 381243 (VCV000381243.21), dbSNP rs1057520989, ClinGen allele CA16606672.

ClinVar aggregate classification (germline): Likely benign. Review status: criteria provided, multiple submitters, no conflicts (2 of 4 stars). 7 submissions from 7 submitters: Likely benign (7). Last evaluated 2026-01-25.

Conditions:
Hereditary cancer-predisposing syndrome. Also called: Tumor predisposition; Hereditary neoplastic syndrome; Neoplastic Syndromes, Hereditary; Hereditary Cancer Syndrome. Identifiers: Orphanet 140162, MedGen C0027672, MeSH D009386, MONDO:0015356.
Hereditary breast ovarian cancer syndrome. Also called: Hereditary breast and/or ovarian cancer syndrome; Hereditary breast and ovarian cancer syndrome; Hereditary breast and ovarian cancer syndrome (HBOC); Hereditary breast and ovarian cancer; BRCA1- and BRCA2-Associated Hereditary Breast and Ovarian Cancer; Breast and ovarian cancer. Identifiers: Orphanet 145, MedGen C0677776, MeSH D061325, MONDO:0003582. Disease mechanism: loss of function.

Allele frequency attached by ClinVar (database versions not stated): TOPMed 0.00002.

Submissions (7):

Labcorp Genetics (formerly Invitae), Labcorp
Classification: Likely benign for Hereditary breast ovarian cancer syndrome. Last evaluated: 2026-01-25. Review status: criteria provided, single submitter. Criteria: Invitae Variant Classification Sherloc (09022015). Collection method: clinical testing. Allele origin: germline.

Women's Health and Genetics/Laboratory Corporation of America, LabCorp
Classification: Likely benign. Last evaluated: 2024-12-06. Review status: criteria provided, single submitter. Criteria: LabCorp Variant Classification Summary - May 2015. Collection method: clinical testing. Allele origin: germline.

Sema4
Classification: Likely benign for Hereditary cancer-predisposing syndrome. Last evaluated: 2021-09-01. Review status: criteria provided, single submitter. Criteria: Sema4 Curation Guidelines. Collection method: curation. Allele origin: germline.

Quest Diagnostics Nichols Institute San Juan Capistrano
Classification: Likely benign. Last evaluated: 2020-03-19. Review status: criteria provided, single submitter. Criteria: Quest Diagnostics criteria. Collection method: clinical testing. Allele origin: unknown.

Ambry Genetics
Classification: Likely benign for Hereditary cancer-predisposing syndrome. Last evaluated: 2016-12-21. Review status: criteria provided, single submitter. Criteria: Ambry Variant Classification Scheme 2023. Collection method: clinical testing. Allele origin: germline.

Color Diagnostics, LLC DBA Color Health
Classification: Likely benign for Hereditary cancer-predisposing syndrome. Last evaluated: 2016-10-05. Review status: criteria provided, single submitter. Criteria: ACMG Guidelines, 2015. Collection method: clinical testing. Allele origin: germline.

GeneDx
Classification: Likely benign. Last evaluated: 2015-10-22. Review status: criteria provided, single submitter. Criteria: GeneDx Variant Classification (06012015). Collection method: clinical testing. Allele origin: germline. Affected: yes.
Comment: This variant is considered likely benign or benign based on one or more of the following criteria: it is a conservative change, it occurs at a poorly conserved position in the protein, it is predicted to be benign by multiple in silico algorithms, and/or has population frequency not consistent with disease.